The following is an entry in ClinVar:

ClinVar aggregate classification (germline): Likely benign. Review status: reviewed by expert panel (3 of 4 stars). 4 submissions from 4 submitters: Likely benign (1). 3 of the submissions do not count toward it. Last evaluated 2023-02-18.

Conditions:
Familial adenomatous polyposis 1 (FAP1). Also called: POLYPOSIS, ADENOMATOUS INTESTINAL; FAMILIAL ADENOMATOUS POLYPOSIS 1, ATTENUATED. Identifiers: MedGen C2713442, MONDO:0021056, OMIM 175100. Disease mechanism: loss of function.

Allele frequency attached by ClinVar (database versions not stated): TOPMed below 0.00001.

Submissions (4):

ClinGen InSiGHT Hereditary Colorectal Cancer/Polyposis Variant Curation Expert Panel
Classification: Likely benign for Familial adenomatous polyposis 1. Last evaluated: 2023-02-18. Review status: reviewed by expert panel. Criteria: ClinGen InSiGHT HCCP VCEP ACMG Specifications APC V1. Collection method: curation. Allele origin: germline. Inheritance: Autosomal dominant inheritance.
Comment: The c.645+9C>A (p.?) variant in APC is an intronic variant at or beyond +7/-21 and is not predicted to impact splicing by multiple splicing predictors including SpliceAI, VarSEAK and MaxEntScan (BP4, BP7). This variant is absent from gnomAD v2.1.1 (PM2_Supporting). This variant has been observed in heterozygous state in 7 healthy unrelated adult individuals worth 6.5 (more than 3) healthy individual points in total (BS2_Supporting; Ambry, Invitae internal data). In summary, this variant meets the criteria to be classified as Likely Benign for FAP based on the ACMG/AMP criteria applied, as specified by the ClinGen InSiGHT Hereditary Colorectal Cancer/Polyposis Variant Curation Expert Panel: BS2_Supporting, BP4, and BP7 (VCEP specifications version 1.0; date of approval: 12/12/2022).

Labcorp Genetics (formerly Invitae), Labcorp
Classification: Likely benign for Familial adenomatous polyposis 1. Last evaluated: 2024-09-23. Review status: criteria provided, single submitter. Criteria: Invitae Variant Classification Sherloc (09022015). Collection method: clinical testing. Allele origin: germline. Not counted in ClinVar's aggregate classification.

Myriad Genetics, Inc.
Classification: Likely benign for Familial adenomatous polyposis 1. Last evaluated: 2024-02-26. Review status: criteria provided, single submitter. Criteria: Myriad Autosomal Dominant, Autosomal Recessive and X-Linked Classification Criteria (2023). Collection method: clinical testing. Allele origin: unknown. Not counted in ClinVar's aggregate classification.
Comment: This variant is considered likely benign. This variant is intronic and is not expected to impact mRNA splicing.

GeneDx
Classification: Likely benign. Last evaluated: 2016-11-01. Review status: criteria provided, single submitter. Criteria: GeneDx Variant Classification (06012015). Collection method: clinical testing. Allele origin: germline. Affected: yes. Not counted in ClinVar's aggregate classification.
Comment: This variant is considered likely benign or benign based on one or more of the following criteria: it is a conservative change, it occurs at a poorly conserved position in the protein, it is predicted to be benign by multiple in silico algorithms, and/or has population frequency not consistent with disease.

NM_000038.6(APC):c.645+9C>A

Gene: APC (APC regulator of Wnt signaling pathway; plus strand). Cytogenetic location: 5q22.2.
Variant type: single nucleotide variant.
Coding change: c.645+9C>A on transcript NM_000038.6 (MANE Select); 9 bases into the intron after coding-DNA position 645, C replaced by A.
Molecular consequence: intron variant.
Genome position (GRCh38, 1-based): chr5:112,780,912, C>A. VCF-style: chr5-112780912-C-A. GRCh37 (hg19) VCF-style: chr5-112116609-C-A.
Other names: c.645+9C>A (NM_001354895.2, NM_001127510.3, NM_001354896.2 and 2 more transcripts); c.675+9C>A (NM_001354897.2, NM_001354902.2, NM_001127511.3); c.570+9C>A (NM_001354898.2, NM_001354904.2); c.-391+9C>A (NM_001354906.2); c.468+9C>A (NM_001354900.2, NM_001354901.2, NM_001354905.2).
Identifiers: ClinVar variation 215569 (VCV000215569.15), dbSNP rs863224286, ClinGen allele CA337726.